The following is an entry in ClinVar:

NM_005732.4(RAD50):c.3679A>G (p.Ile1227Val)

Genes: RAD50 (RAD50 double strand break repair protein; plus strand), TH2-LCR (Th2 cytokine locus control region; plus strand), TH2LCRR (T helper type 2 locus control region associated RNA; minus strand). Cytogenetic location: 5q31.1.
Variant type: single nucleotide variant.
Coding change: c.3679A>G on transcript NM_005732.4 (MANE Select); coding-DNA position 3679, A replaced by G.
Protein change: p.Ile1227Val; replaces isoleucine 1227 with valine.
Molecular consequence: missense variant.
Genome position (GRCh38, 1-based): chr5:132,640,732, A>G. VCF-style: chr5-132640732-A-G. GRCh37 (hg19) VCF-style: chr5-131976424-A-G.
Other names: short protein forms I1227V.
Identifiers: ClinVar variation 4862864 (VCV004862864.1).

ClinVar aggregate classification (germline): Uncertain significance (1 of 4 stars; one submission).

Conditions:
Hereditary cancer-predisposing syndrome. Also called: Neoplastic Syndromes, Hereditary; Tumor predisposition; Hereditary Cancer Syndrome; Hereditary neoplastic syndrome. Identifiers: Orphanet 140162, MedGen C0027672, MeSH D009386, MONDO:0015356.

gnomAD v4.1: 1 of 1,614,242 alleles (0.000062%); highest among the groups gnomAD compares: South Asian, 0.0011%; no homozygotes.

Submission:

Ambry Genetics
Classification: Uncertain significance for Hereditary cancer-predisposing syndrome. Last evaluated: 2026-06-12. Review status: criteria provided, single submitter. Criteria: Ambry Variant Classification Scheme 2023. Collection method: clinical testing. Allele origin: germline.
Comment: The p.I1227V variant (also known as c.3679A>G), located in coding exon 24 of the RAD50 gene, results from an A to G substitution at nucleotide position 3679. The isoleucine at codon 1227 is replaced by valine, an amino acid with highly similar properties. This amino acid position is conserved. In addition, the in silico prediction for this alteration is inconclusive. Based on the available evidence, the clinical significance of this variant remains unclear.